The following is an entry in ClinVar:

NM_004960.4(FUS):c.1509dup (p.Gly504fs)

Gene: FUS (FUS RNA binding protein; plus strand). Cytogenetic location: 16p11.2.
Variant type: Duplication.
Coding change: c.1509dup on transcript NM_004960.4 (MANE Select); coding-DNA position 1509, one base duplicated (A; older notation c.1509dupA).
Protein change: p.Gly504fs; shifts the reading frame from glycine 504.
Molecular consequence: frameshift variant. On other transcripts: non-coding transcript variant (1).
Genome position (GRCh38, 1-based): chr16:31,191,078, A duplicated. VCF-style (leftmost placement, unchanged base first): chr16-31191077-G-GA. GRCh37 (hg19) VCF-style: chr16-31202398-G-GA.
Other names: c.1506dup, p.Gly503fs (NM_001170634.1); c.1497dup, p.Gly500fs (NM_001170937.1); c.1509dupA (NM_004960.4); short protein forms G503fs, G504fs, G500fs.
Identifiers: ClinVar variation 933229 (VCV000933229.3), dbSNP rs2079350332, ClinGen allele CA1139664665.

ClinVar aggregate classification (germline): Pathogenic (1 of 4 stars; one submission).

Conditions:
Amyotrophic lateral sclerosis type 6. Also called: FUS-Related Amyotrophic Laterial Sclerosis; Amyotrophic lateral sclerosis 6, with or without frontotemporal dementia; AMYOTROPHIC LATERAL SCLEROSIS 6 WITHOUT FRONTOTEMPORAL DEMENTIA. Identifiers: Orphanet 275872, Orphanet 803, MedGen C2931786, MONDO:0011951, OMIM 608030.

Submission:

Neurology Department,The First Affiliated Hospital of Zhengzhou University, Zhengzhou University
Classification: Pathogenic for Amyotrophic lateral sclerosis type 6. Last evaluated: 2020-05-01. Review status: criteria provided, single submitter. Criteria: ACMG Guidelines, 2015. Collection method: clinical testing. Allele origin: de novo. Inheritance: Sporadic. Affected: yes. Observed: 1 heterozygote.
Comment: More than 50 FUS mutations have been linked to ALS development, the majority of which occur in exons 6, 14, and 15 [Chen et al. 2019]. According to initial epidemiological studies, FUS mutations account for 4.0-6.0% of familial ALS cases and 0.7-1.8% of sporadic cases [Andersen and Al-Chalabi 2011]. FUS mutations were found to be present in more than 30% of JALS cases in a study performed in China [Liu et al. 2017]. A number of FUS mutations have been linked to JALS in recent years; these mutations are believed to be the predominant genetic cause of JALS, particularly the sporadic type.

Literature cited by the submitters: DOI 10.1080/21678421.2020.1775256.